The following is an entry in ClinVar:

ClinVar aggregate classification (germline): Uncertain significance. Review status: criteria provided, multiple submitters, no conflicts (2 of 4 stars). 3 submissions from 3 submitters: Uncertain significance (3). Last evaluated 2025-03-25.

Conditions:
Inborn genetic diseases. Identifiers: MedGen C0950123, MeSH D030342.

Allele frequency attached by ClinVar (database versions not stated): gnomAD 0.00006; ESP Exome Variant Server 0.00008; gnomAD exomes 0.00009 and 0.00017; TOPMed 0.00010; ExAC 0.00017.
gnomAD v4.1: 62 of 1,614,048 alleles (0.0038%); highest among the groups gnomAD compares: Admixed American, 0.09%; no homozygotes.

Submissions (3):

Ambry Genetics
Classification: Uncertain significance for Inborn genetic diseases. Last evaluated: 2025-03-25. Review status: criteria provided, single submitter. Criteria: Ambry Variant Classification Scheme 2023. Collection method: clinical testing. Allele origin: germline.

Labcorp Genetics (formerly Invitae), Labcorp
Classification: Uncertain significance. Last evaluated: 2025-01-15. Review status: criteria provided, single submitter. Criteria: Invitae Variant Classification Sherloc (09022015). Collection method: clinical testing. Allele origin: germline.
Comment: This sequence change replaces arginine, which is basic and polar, with cysteine, which is neutral and slightly polar, at codon 598 of the AGBL5 protein (p.Arg598Cys). This variant is present in population databases (rs148469619, gnomAD 0.1%). This variant has not been reported in the literature in individuals affected with AGBL5-related conditions. ClinVar contains an entry for this variant (Variation ID: 855243). An algorithm developed to predict the effect of missense changes on protein structure and function (PolyPhen-2) suggests that this variant is likely to be disruptive. In summary, the available evidence is currently insufficient to determine the role of this variant in disease. Therefore, it has been classified as a Variant of Uncertain Significance.

Blueprint Genetics
Classification: Uncertain significance. Last evaluated: 2023-02-17. Review status: criteria provided, single submitter. Criteria: ACMG Guidelines, 2015. Collection method: clinical testing. Allele origin: germline.

NM_021831.6(AGBL5):c.1792C>T (p.Arg598Cys)

Gene: AGBL5 (AGBL carboxypeptidase 5; plus strand). Cytogenetic location: 2p23.3.
Variant type: single nucleotide variant.
Coding change: c.1792C>T on transcript NM_021831.6 (MANE Select); coding-DNA position 1792, C replaced by T.
Protein change: p.Arg598Cys; replaces arginine 598 with cysteine.
Molecular consequence: missense variant. On other transcripts: non-coding transcript variant (2).
Genome position (GRCh38, 1-based): chr2:27,058,520, C>T. VCF-style: chr2-27058520-C-T. GRCh37 (hg19) VCF-style: chr2-27281388-C-T.
Other names: c.1792C>T, p.Arg598Cys (NM_001035507.3); short protein forms R598C.
Identifiers: ClinVar variation 855243 (VCV000855243.8), dbSNP rs148469619, ClinGen allele CA1567968.